The following is an entry in ClinVar:

NM_001166114.2(PNPLA6):c.1088G>A (p.Ser363Asn)

Gene: PNPLA6 (patatin like domain 6, lysophospholipase; plus strand). Cytogenetic location: 19p13.2.
Variant type: single nucleotide variant.
Coding change: c.1088G>A on transcript NM_001166114.2 (MANE Select); coding-DNA position 1088, G replaced by A.
Protein change: p.Ser363Asn; replaces serine 363 with asparagine.
Molecular consequence: missense variant.
Genome position (GRCh38, 1-based): chr19:7,541,604, G>A. VCF-style: chr19-7541604-G-A. GRCh37 (hg19) VCF-style: chr19-7606490-G-A.
Other names: c.1115G>A, p.Ser372Asn (NM_001166111.2); c.971G>A, p.Ser324Asn (NM_001166112.2, NM_001166113.1, NM_006702.5); short protein forms S363N, S324N, S372N.
Identifiers: ClinVar variation 941856 (VCV000941856.9), dbSNP rs756600765, ClinGen allele CA9139670.

ClinVar aggregate classification (germline): Uncertain significance. Review status: criteria provided, multiple submitters, no conflicts (2 of 4 stars). 3 submissions from 3 submitters: Uncertain significance (3). Last evaluated 2023-06-21.

Conditions:
Inborn genetic diseases. Identifiers: MedGen C0950123, MeSH D030342.
Hereditary spastic paraplegia 39 (SPG39). Also called: Spastic Paraplegia Type 39 (SPG39); SPASTIC PARAPLEGIA 39, AUTOSOMAL RECESSIVE. Identifiers: Orphanet 139480, MedGen C2677586, MONDO:0012787, OMIM 612020.

Allele frequency attached by ClinVar (database versions not stated): gnomAD exomes 0.00002 and 0.00004; gnomAD 0.00003 and 0.00004; TOPMed 0.00003; ExAC 0.00006; 1000 Genomes Project 30x 0.00047.

Submissions (3):

Ambry Genetics
Classification: Uncertain significance for Inborn genetic diseases. Last evaluated: 2023-06-21. Review status: criteria provided, single submitter. Criteria: Ambry Variant Classification Scheme 2023. Collection method: clinical testing. Allele origin: germline.

Blueprint Genetics
Classification: Uncertain significance. Last evaluated: 2023-06-21. Review status: criteria provided, single submitter. Criteria: ACMG Guidelines, 2015. Collection method: clinical testing. Allele origin: germline.

Labcorp Genetics (formerly Invitae), Labcorp
Classification: Uncertain significance for Hereditary spastic paraplegia 39. Last evaluated: 2022-08-09. Review status: criteria provided, single submitter. Criteria: Invitae Variant Classification Sherloc (09022015). Collection method: clinical testing. Allele origin: germline.
Comment: This sequence change replaces serine, which is neutral and polar, with asparagine, which is neutral and polar, at codon 324 of the PNPLA6 protein (p.Ser324Asn). The frequency data for this variant in the population databases is considered unreliable, as metrics indicate poor data quality at this position in the gnomAD database. This variant has not been reported in the literature in individuals affected with PNPLA6-related conditions. ClinVar contains an entry for this variant (Variation ID: 941856). Algorithms developed to predict the effect of missense changes on protein structure and function output the following: SIFT: "Tolerated"; PolyPhen-2: "Benign"; Align-GVGD: "Class C0". The asparagine amino acid residue is found in multiple mammalian species, which suggests that this missense change does not adversely affect protein function. In summary, the available evidence is currently insufficient to determine the role of this variant in disease. Therefore, it has been classified as a Variant of Uncertain Significance.